The following is an entry in ClinVar:

ClinVar aggregate classification (germline): Uncertain significance (1 of 4 stars; one submission).

Conditions:
Early Myoclonic Encephalopathy. Identifiers: MedGen C0270855.

Allele frequency attached by ClinVar (database versions not stated): TOPMed below 0.00001.

Submission:

Labcorp Genetics (formerly Invitae), Labcorp
Classification: Uncertain significance for Early Myoclonic Encephalopathy. Last evaluated: 2023-04-23. Review status: criteria provided, single submitter. Criteria: Invitae Variant Classification Sherloc (09022015). Collection method: clinical testing. Allele origin: germline.
Comment: This sequence change replaces aspartic acid, which is acidic and polar, with glycine, which is neutral and non-polar, at codon 2217 of the JMJD1C protein (p.Asp2217Gly). This variant is not present in population databases (gnomAD no frequency). This variant has not been reported in the literature in individuals affected with JMJD1C-related conditions. Advanced modeling of protein sequence and biophysical properties (such as structural, functional, and spatial information, amino acid conservation, physicochemical variation, residue mobility, and thermodynamic stability) performed at Invitae indicates that this missense variant is not expected to disrupt JMJD1C protein function. In summary, the available evidence is currently insufficient to determine the role of this variant in disease. Therefore, it has been classified as a Variant of Uncertain Significance.

NM_032776.3(JMJD1C):c.6650A>G (p.Asp2217Gly)

Gene: JMJD1C (jumonji domain containing 1C; minus strand). Cytogenetic location: 10q21.3.
Variant type: single nucleotide variant.
Coding change: c.6650A>G on transcript NM_032776.3 (MANE Select); coding-DNA position 6650, A replaced by G.
Protein change: p.Asp2217Gly; replaces aspartic acid 2217 with glycine.
Molecular consequence: missense variant. On other transcripts: non-coding transcript variant (1).
Genome position (GRCh38, 1-based): chr10:63,186,304, T>C on the plus strand (A>G on the coding strand, the complement: JMJD1C is on the minus strand). VCF-style: chr10-63186304-T-C. GRCh37 (hg19) VCF-style: chr10-64946064-T-C.
Other names: c.6104A>G, p.Asp2035Gly (NM_001282948.2, NM_001318154.2); c.5786A>G, p.Asp1929Gly (NM_001318153.2); c.6536A>G, p.Asp2179Gly (NM_001322252.2); c.5993A>G, p.Asp1998Gly (NM_001322254.2, NM_001322258.2); short protein forms D1998G, D2035G, D2179G, D1929G, D2217G.
Identifiers: ClinVar variation 2846745 (VCV002846745.3), dbSNP rs1844114914, ClinGen allele CA377022363.
Genomic context (GRCh38, chr10:63,186,304, plus strand): 5'-TCCTTAACATTGGCATTTGAAATGATGCTATCTTTGCAGTTCAGGAGATCAGCTTGGTGG[T>C]CTCCAAAATCAAGACTAATTGATTCCGCCTTCCATAGGCTAATGTTCATTTTCTTATGCA-3'
Protein context (NP_116165.1, residues 2207-2227): KAESISLDFG[Asp2217Gly]HQADLLNCKD